The following is an entry in ClinVar:

ClinVar aggregate classification (germline): Likely benign. Review status: criteria provided, multiple submitters, no conflicts (2 of 4 stars). 4 submissions from 4 submitters: Likely benign (4). Last evaluated 2026-06-01.

Allele frequency attached by ClinVar (database versions not stated): TOPMed 0.00001.
gnomAD v4.1: 8 of 1,612,510 alleles (0.0005%); highest among the groups gnomAD compares: Admixed American, 0.0033%; no homozygotes.

Submissions (4):

CeGaT Center for Human Genetics Tuebingen
Classification: Likely benign. Last evaluated: 2026-06-01. Review status: criteria provided, single submitter. Criteria: CeGaT Center For Human Genetics Tuebingen Variant Classification Criteria Version 2. Collection method: clinical testing. Allele origin: germline. Affected: yes. Observed: 1 variant allele.
Comment: WFS1: BP4, BP7

Labcorp Genetics (formerly Invitae), Labcorp
Classification: Likely benign. Last evaluated: 2025-04-28. Review status: criteria provided, single submitter. Criteria: Invitae Variant Classification Sherloc (09022015). Collection method: clinical testing. Allele origin: germline.

ARUP Laboratories, Molecular Genetics and Genomics, ARUP Laboratories
Classification: Likely benign. Last evaluated: 2023-12-28. Review status: criteria provided, single submitter. Criteria: ARUP Molecular Germline Variant Investigation Process 2024. Collection method: clinical testing. Allele origin: germline.

Blueprint Genetics
Classification: Likely benign. Last evaluated: 2022-07-27. Review status: criteria provided, single submitter. Criteria: ACMG Guidelines, 2015. Collection method: clinical testing. Allele origin: germline.

NM_006005.3(WFS1):c.1608G>A (p.Val536=)

Gene: WFS1 (wolframin ER transmembrane glycoprotein; plus strand). Cytogenetic location: 4p16.1.
Variant type: single nucleotide variant.
Coding change: c.1608G>A on transcript NM_006005.3 (MANE Select); coding-DNA position 1608, G replaced by A.
Protein change: p.Val536=; no amino-acid change (valine 536 retained).
Molecular consequence: synonymous variant.
Genome position (GRCh38, 1-based): chr4:6,301,403, G>A. VCF-style: chr4-6301403-G-A. GRCh37 (hg19) VCF-style: chr4-6303130-G-A.
Other names: c.1608G>A, p.Val536= (NM_001145853.1).
Identifiers: ClinVar variation 2719658 (VCV002719658.7), dbSNP rs770643432, ClinGen allele CA91796389.
Genomic context (GRCh38, chr4:6,301,403, plus strand): 5'-CCGCATGGCACAGCTGAGGAATTTCAAGGGCACCTACTGCTACCTTGTGCCCTACCTGGT[G>A]TGCTTCATGTGGTGTGAGCTCTCCGTGGTCATCCTGCTGGAGTCCACCGGCCTGGGGCTG-3'
Protein context (NP_005996.2, residues 526-546): GTYCYLVPYL[Val536=]CFMWCELSVV